The following is an entry in ClinVar:

ClinVar aggregate classification (germline): Benign. Review status: criteria provided, multiple submitters, no conflicts (2 of 4 stars). 7 submissions from 7 submitters: Benign (7). Last evaluated 2026-01-27.

Conditions:
Charcot-Marie-Tooth disease type 4F. Also called: Charcot-Marie-Tooth disease, demyelinating, type 4F. Identifiers: Orphanet 99952, MedGen C3540453, MONDO:0013959, OMIM 614895.
Charcot-Marie-Tooth disease type 4. Also called: Charcot-Marie-Tooth, Type 4; Charcot-Marie-Tooth disease, type IV. Identifiers: Orphanet 64749, MedGen C4082197, MONDO:0018995.
Charcot-Marie-Tooth disease. Also called: Charcot-Marie-Tooth Neuropathy; Charcot-Marie-Tooth Hereditary Neuropathy. Identifiers: Orphanet 166, MedGen C0007959, MONDO:0015626.

Allele frequency attached by ClinVar (database versions not stated): gnomAD exomes 0.00097 and 0.00252; ExAC 0.00317; gnomAD 0.00999 and 0.01078; TOPMed 0.01139; ESP Exome Variant Server 0.01146; 1000 Genomes Project 0.01218; 1000 Genomes Project 30x 0.01280.
gnomAD v4.1: 2,983 of 1,614,060 alleles (0.18%); highest among the groups gnomAD compares: African/African-American, 3.5%; 43 homozygotes.

Submissions (7):

Labcorp Genetics (formerly Invitae), Labcorp
Classification: Benign for Charcot-Marie-Tooth disease type 4. Last evaluated: 2026-01-27. Review status: criteria provided, single submitter. Criteria: Invitae Variant Classification Sherloc (09022015). Collection method: clinical testing. Allele origin: germline.

ARUP Laboratories, Molecular Genetics and Genomics, ARUP Laboratories
Classification: Benign. Last evaluated: 2020-12-12. Review status: criteria provided, single submitter. Criteria: ARUP Molecular Germline Variant Investigation Process 2021. Collection method: clinical testing. Allele origin: germline.

Illumina Laboratory Services, Illumina
Classification: Benign for Charcot-Marie-Tooth disease type 4F. Last evaluated: 2018-01-13. Review status: criteria provided, single submitter. Criteria: ICSL Variant Classification Criteria 13 December 2019. Collection method: clinical testing. Allele origin: germline.
Comment: This variant was observed in the ICSL laboratory as part of a predisposition screen in an ostensibly healthy population. It had not been previously curated by ICSL or reported in the Human Gene Mutation Database (HGMD: prior to June 1st, 2018), and was therefore a candidate for classification through an automated scoring system. Utilizing variant allele frequency, disease prevalence and penetrance estimates, and inheritance mode, an automated score was calculated to assess if this variant is too frequent to cause the disease. Based on the score and internal cut-off values, a variant classified as benign is not then subjected to further curation. The score for this variant resulted in a classification of benign for this disease.

Athena Diagnostics
Classification: Benign. Last evaluated: 2017-12-12. Review status: criteria provided, single submitter. Criteria: Athena Diagnostics Criteria. Collection method: clinical testing. Allele origin: germline.

GeneDx
Classification: Benign. Last evaluated: 2015-09-16. Review status: criteria provided, single submitter. Criteria: GeneDx Variant Classification (06012015). Collection method: clinical testing. Allele origin: germline. Affected: yes.
Comment: This variant is considered likely benign or benign based on one or more of the following criteria: it is a conservative change, it occurs at a poorly conserved position in the protein, it is predicted to be benign by multiple in silico algorithms, and/or has population frequency not consistent with disease.

Breakthrough Genomics
Classification: Benign. Review status: criteria provided, single submitter. Criteria: ACMG Guidelines, 2015. Collection method: not provided. Allele origin: germline. Inheritance: Autosomal recessive inheritance. Affected: yes.

Molecular Genetics Laboratory, London Health Sciences Centre
Classification: Benign for Charcot-Marie-Tooth disease. Review status: criteria provided, single submitter. Criteria: ACMG Guidelines, 2015. Collection method: clinical testing. Allele origin: germline. Affected: yes.

NM_181882.3(PRX):c.3218A>G (p.Glu1073Gly)

Gene: PRX (periaxin; minus strand). Cytogenetic location: 19q13.2.
Variant type: single nucleotide variant.
Coding change: c.3218A>G on transcript NM_181882.3 (MANE Select); coding-DNA position 3218, A replaced by G.
Protein change: p.Glu1073Gly; replaces glutamic acid 1073 with glycine.
Molecular consequence: missense variant. On other transcripts: 3 prime UTR variant (1).
Genome position (GRCh38, 1-based): chr19:40,395,134, T>C on the plus strand (A>G on the coding strand, the complement: PRX is on the minus strand). VCF-style: chr19-40395134-T-C. GRCh37 (hg19) VCF-style: chr19-40901041-T-C.
Other names: c.*3423A>G (NM_020956.2); short protein forms E1073G.
Identifiers: ClinVar variation 329259 (VCV000329259.26), dbSNP rs61733451, ClinGen allele CA9443905.
Genomic context (GRCh38, chr19:40,395,134, plus strand): 5'-TGCACAGCGGTGGACTCAGCCTTTTCCCCCGGGCTGGCACGATCACCTTGAACTTCTGCT[T>C]CCTTCCCTCGAGCCAGCCCAAAGGAAGGCATCTTCAGCTTGGGCATCTTCACCCTCCCAT-3'
Protein context (NP_870998.2, residues 1063-1083): MPSFGLARGK[Glu1073Gly]AEVQGDRASP